The following is an entry in ClinVar:

NM_014915.3(ANKRD26):c.4391A>C (p.His1464Pro)

Gene: ANKRD26 (ankyrin repeat domain 26; minus strand). Cytogenetic location: 10p12.1.
Variant type: single nucleotide variant.
Coding change: c.4391A>C on transcript NM_014915.3 (MANE Select); coding-DNA position 4391, A replaced by C.
Protein change: p.His1464Pro; replaces histidine 1464 with proline.
Molecular consequence: missense variant.
Genome position (GRCh38, 1-based): chr10:27,017,617, T>G on the plus strand (A>C on the coding strand, the complement: ANKRD26 is on the minus strand). VCF-style: chr10-27017617-T-G. GRCh37 (hg19) VCF-style: chr10-27306546-T-G.
Other names: c.4388A>C, p.His1463Pro (NM_001256053.2); short protein forms H1464P, H1463P.
Identifiers: ClinVar variation 373725 (VCV000373725.11), dbSNP rs762858115, ClinGen allele CA5447802.

ClinVar aggregate classification (germline): Conflicting classifications of pathogenicity. Review status: criteria provided, conflicting classifications (1 of 4 stars). 7 submissions from 6 submitters: Uncertain significance (4); Likely benign (1). 2 of the submissions do not count toward it. Last evaluated 2026-01-12.

Conditions:
Thrombocytopenia 2 (THC2). Also called: ANKRD26-Related Thrombocytopenia. Identifiers: Orphanet 268322, MedGen C1861185, MONDO:0008555, OMIM 188000.
Inborn genetic diseases. Identifiers: MedGen C0950123, MeSH D030342.

Allele frequency attached by ClinVar (database versions not stated): TOPMed 0.00003; gnomAD exomes 0.00008; ExAC 0.00009.
gnomAD v4.1: 108 of 1,613,602 alleles (0.0067%); highest among the groups gnomAD compares: Middle Eastern, 0.18%; 1 homozygote.

Submissions (7):

Labcorp Genetics (formerly Invitae), Labcorp
Classification: Uncertain significance. Last evaluated: 2026-01-12. Review status: criteria provided, single submitter. Criteria: Invitae Variant Classification Sherloc (09022015). Collection method: clinical testing. Allele origin: germline.
Comment: This sequence change replaces histidine, which is basic and polar, with proline, which is neutral and non-polar, at codon 1464 of the ANKRD26 protein (p.His1464Pro). This variant is present in population databases (rs762858115, gnomAD 0.02%). This variant has not been reported in the literature in individuals affected with ANKRD26-related conditions. ClinVar contains an entry for this variant (Variation ID: 373725). An algorithm developed to predict the effect of missense changes on protein structure and function (PolyPhen-2) suggests that this variant is likely to be disruptive. In summary, the available evidence is currently insufficient to determine the role of this variant in disease. Therefore, it has been classified as a Variant of Uncertain Significance.

Ambry Genetics
Classification: Uncertain significance for Inborn genetic diseases. Last evaluated: 2024-11-21. Review status: criteria provided, single submitter. Criteria: Ambry Variant Classification Scheme 2023. Collection method: clinical testing. Allele origin: germline.
Comment: The p.H1464P variant (also known as c.4391A>C), located in coding exon 30 of the ANKRD26 gene, results from an A to C substitution at nucleotide position 4391. The histidine at codon 1464 is replaced by proline, an amino acid with similar properties. This amino acid position is conserved. In addition, this alteration is predicted to be tolerated by in silico analysis. Based on the available evidence, the clinical significance of this variant remains unclear.

St. Jude Molecular Pathology, St. Jude Children's Research Hospital
Classification: Uncertain significance for Thrombocytopenia 2. Last evaluated: 2024-08-23. Review status: criteria provided, single submitter. Criteria: St. Jude Assertion Criteria 2020. Collection method: clinical testing. Allele origin: germline.
Comment: The ANKRD26 c.4391A>C (p.His1464Pro) missense change has a maximum subpopulation frequency of 0.02% in gnomAD v2.1.1. This variant is not located in the 5' UTR. The in silico tool REVEL predicts a benign effect on protein function, but to our knowledge this prediction has not been confirmed by functional studies. To our knowledge, this variant has not been reported in individuals with ANKRD26-related thrombocytopenia. In summary, the evidence currently available is insufficient to determine the clinical significance of this variant. It has therefore been classified as of uncertain significance.

Blueprint Genetics
Classification: Likely benign. Last evaluated: 2024-03-18. Review status: criteria provided, single submitter. Criteria: ACMG Guidelines, 2015. Collection method: clinical testing. Allele origin: germline.

GeneDx
Classification: Uncertain significance. Last evaluated: 2022-08-30. Review status: criteria provided, single submitter. Criteria: GeneDx Variant Classification Process June 2021. Collection method: clinical testing. Allele origin: germline. Affected: yes.
Comment: In silico analysis supports that this missense variant has a deleterious effect on protein structure/function; Has not been previously published as pathogenic or benign to our knowledge

Zotz-Klimas Genetics Lab, MVZ Zotz Klimas
Classification: Uncertain significance for Thrombocytopenia 2. Last evaluated: 2023-10-30. Review status: no assertion criteria provided. Collection method: clinical testing. Allele origin: germline. Affected: yes. Not counted in ClinVar's aggregate classification.

GeneDx
Classification: Uncertain significance. Last evaluated: 2016-12-04. Review status: flagged submission. Criteria: GeneDx Variant Classification (06012015). Collection method: clinical testing. Allele origin: germline. Affected: yes. Not counted in ClinVar's aggregate classification.
Comment: The H1464P variant in the ANKRD26 gene has not been reported previously as a pathogenic variant, nor as a benign variant, to our knowledge. The H1464P variant was not observed in approximately 5,900 individuals of European and African American ancestry in the NHLBI Exome Sequencing Project, indicating it is not a common benign variant in these populations. The H1464P variant is a non-conservative amino acid substitution, which is likely to impact secondary protein structure as these residues differ in polarity, charge, size and/or other properties. However, this substitution occurs at a position that is not conserved and in silico analysis is inconsistent in its predictions as to whether or not the variant is damaging to the protein structure/function. We interpret H1464P as a variant of uncertain significance.
ClinVar note: Reason: This record appears to be redundant with a more recent record from the same submitter.
ClinVar note: Notes: SCV000492345 appears to be redundant with SCV002569786.